The following is an entry in ClinVar:

NM_001270508.2(TNFAIP3):c.460G>A (p.Glu154Lys)

Gene: TNFAIP3 (TNF alpha induced protein 3; plus strand). Cytogenetic location: 6q23.3.
Variant type: single nucleotide variant.
Coding change: c.460G>A on transcript NM_001270508.2 (MANE Select); coding-DNA position 460, G replaced by A.
Protein change: p.Glu154Lys; replaces glutamic acid 154 with lysine.
Molecular consequence: missense variant.
Genome position (GRCh38, 1-based): chr6:137,875,009, G>A. VCF-style: chr6-137875009-G-A. GRCh37 (hg19) VCF-style: chr6-138196146-G-A.
Other names: c.460G>A, p.Glu154Lys (NM_001270507.2, NM_006290.4); c.460G>A (NM_006290.3); short protein forms E154K.
Identifiers: ClinVar variation 3684305 (VCV003684305.3).

ClinVar aggregate classification (germline): Uncertain significance. Review status: criteria provided, multiple submitters, no conflicts (2 of 4 stars). 2 submissions from 2 submitters: Uncertain significance (2). Last evaluated 2026-04-15.

Conditions:
TNFAIP3-related disorder. Also called: TNFAIP3-related condition.

Submissions (2):

PreventionGenetics, part of Exact Sciences
Classification: Uncertain significance for TNFAIP3-related condition. Last evaluated: 2026-04-15. Review status: criteria provided, single submitter. Criteria: ACMG Guidelines, 2015. Collection method: clinical testing. Allele origin: germline.
Comment: The TNFAIP3 c.460G>A variant is predicted to result in the amino acid substitution p.Glu154Lys. To our knowledge, this variant has not been reported in the literature. This variant is reported in 0.012% of alleles in individuals of African descent in gnomAD. At this time, the clinical significance of this variant is uncertain due to the absence of conclusive functional and genetic evidence.

Labcorp Genetics (formerly Invitae), Labcorp
Classification: Uncertain significance. Last evaluated: 2024-08-15. Review status: criteria provided, single submitter. Criteria: Invitae Variant Classification Sherloc (09022015). Collection method: clinical testing. Allele origin: germline.
Comment: This sequence change replaces glutamic acid, which is acidic and polar, with lysine, which is basic and polar, at codon 154 of the TNFAIP3 protein (p.Glu154Lys). This variant is present in population databases (rs753319492, gnomAD 0.01%). This variant has not been reported in the literature in individuals affected with TNFAIP3-related conditions. Invitae Evidence Modeling of protein sequence and biophysical properties (such as structural, functional, and spatial information, amino acid conservation, physicochemical variation, residue mobility, and thermodynamic stability) indicates that this missense variant is not expected to disrupt TNFAIP3 protein function with a negative predictive value of 80%. In summary, the available evidence is currently insufficient to determine the role of this variant in disease. Therefore, it has been classified as a Variant of Uncertain Significance.